The following is an entry in ClinVar:

NM_002295.6(RPSA):c.172C>G (p.Leu58Val)

Gene: RPSA (ribosomal protein SA; plus strand). Cytogenetic location: 3p22.1.
Variant type: single nucleotide variant.
Coding change: c.172C>G on transcript NM_002295.6 (MANE Select); coding-DNA position 172, C replaced by G.
Protein change: p.Leu58Val; replaces leucine 58 with valine.
Molecular consequence: missense variant.
Genome position (GRCh38, 1-based): chr3:39,408,644, C>G. VCF-style: chr3-39408644-C-G. GRCh37 (hg19) VCF-style: chr3-39450135-C-G.
Other names: c.172C>G, p.Leu58Val (NM_001304288.2); short protein forms L58V.
Identifiers: ClinVar variation 3642822 (VCV003642822.2).

ClinVar aggregate classification (germline): Uncertain significance (1 of 4 stars; one submission).

Submission:

Labcorp Genetics (formerly Invitae), Labcorp
Classification: Uncertain significance. Last evaluated: 2024-06-20. Review status: criteria provided, single submitter. Criteria: Invitae Variant Classification Sherloc (09022015). Collection method: clinical testing. Allele origin: germline.
Comment: This sequence change replaces leucine, which is neutral and non-polar, with valine, which is neutral and non-polar, at codon 58 of the RPSA protein (p.Leu58Val). This variant is not present in population databases (gnomAD no frequency). This variant has not been reported in the literature in individuals affected with RPSA-related conditions. Advanced modeling of protein sequence and biophysical properties (such as structural, functional, and spatial information, amino acid conservation, physicochemical variation, residue mobility, and thermodynamic stability) performed at Invitae indicates that this missense variant is not expected to disrupt RPSA protein function with a negative predictive value of 80%. In summary, the available evidence is currently insufficient to determine the role of this variant in disease. Therefore, it has been classified as a Variant of Uncertain Significance.